The following is an entry in ClinVar:

NM_022916.6(VPS33A):c.827G>T (p.Gly276Val)

Gene: VPS33A (VPS33A core subunit of CORVET and HOPS complexes; minus strand). Cytogenetic location: 12q24.31.
Variant type: single nucleotide variant.
Coding change: c.827G>T on transcript NM_022916.6 (MANE Select); coding-DNA position 827, G replaced by T.
Protein change: p.Gly276Val; replaces glycine 276 with valine.
Molecular consequence: missense variant. On other transcripts: intron variant (1).
Genome position (GRCh38, 1-based): chr12:122,244,711, C>A on the plus strand (G>T on the coding strand, the complement: VPS33A is on the minus strand). VCF-style: chr12-122244711-C-A. GRCh37 (hg19) VCF-style: chr12-122729258-C-A.
Other names: c.794G>T, p.Gly265Val (NM_001351018.2); c.779G>T, p.Gly260Val (NM_001351019.2); c.776-4766G>T (NM_001351020.2); short protein forms G260V, G276V, G265V.
Identifiers: ClinVar variation 1374685 (VCV001374685.6), dbSNP rs768775005, ClinGen allele CA387054668.

ClinVar aggregate classification (germline): Uncertain significance (1 of 4 stars; one submission).

gnomAD v4.1: 1 of 1,614,096 alleles (0.000062%); highest among the groups gnomAD compares: South Asian, 0.0011%; no homozygotes.

Submission:

Labcorp Genetics (formerly Invitae), Labcorp
Classification: Uncertain significance. Last evaluated: 2021-08-12. Review status: criteria provided, single submitter. Criteria: Invitae Variant Classification Sherloc (09022015). Collection method: clinical testing. Allele origin: germline.
Comment: This sequence change replaces glycine with valine at codon 276 of the VPS33A protein (p.Gly276Val). The glycine residue is moderately conserved and there is a moderate physicochemical difference between glycine and valine. This variant is not present in population databases (ExAC no frequency). This variant has not been reported in the literature in individuals affected with VPS33A-related conditions. Algorithms developed to predict the effect of missense changes on protein structure and function are either unavailable or do not agree on the potential impact of this missense change (SIFT: "Deleterious"; PolyPhen-2: "Benign"; Align-GVGD: "Class C0"). In summary, the available evidence is currently insufficient to determine the role of this variant in disease. Therefore, it has been classified as a Variant of Uncertain Significance.